The following is an entry in ClinVar:

ClinVar aggregate classification (germline): Uncertain significance. Review status: criteria provided, multiple submitters, no conflicts (2 of 4 stars). 2 submissions from 2 submitters: Uncertain significance (2). Last evaluated 2024-06-10.

Conditions:
Cutis laxa with severe pulmonary, gastrointestinal and urinary anomalies. Also called: LTBP4-Related Cutis Laxa; URBAN-RIFKIN-DAVIS SYNDROME; Cutis laxa, autosomal recessive, type IC. Identifiers: Orphanet 221145, MedGen C2750804, MONDO:0013170, OMIM 613177. Disease mechanism: loss of function.

Allele frequency attached by ClinVar (database versions not stated): TOPMed 0.00002; gnomAD 0.00003 and 0.00004; gnomAD exomes 0.00005; ExAC 0.00006; ESP Exome Variant Server 0.00016.
gnomAD v4.1: 113 of 1,592,782 alleles (0.0071%); highest among the groups gnomAD compares: South Asian, 0.009%; no homozygotes.

Submissions (2):

GeneDx
Classification: Uncertain significance. Last evaluated: 2024-06-10. Review status: criteria provided, single submitter. Criteria: GeneDx Variant Classification Process June 2021. Collection method: clinical testing. Allele origin: germline. Affected: yes.
Comment: Has not been previously published as pathogenic or benign to our knowledge; In silico analysis indicates that this missense variant does not alter protein structure/function; Not observed at significant frequency in large population cohorts (gnomAD)

Labcorp Genetics (formerly Invitae), Labcorp
Classification: Uncertain significance. Last evaluated: 2021-12-22. Review status: criteria provided, single submitter. Criteria: Invitae Variant Classification Sherloc (09022015). Collection method: clinical testing. Allele origin: germline.
Comment: This sequence change replaces alanine, which is neutral and non-polar, with threonine, which is neutral and polar, at codon 1372 of the LTBP4 protein (p.Ala1372Thr). This variant is present in population databases (rs370362292, gnomAD 0.01%). This variant has not been reported in the literature in individuals affected with LTBP4-related conditions. ClinVar contains an entry for this variant (Variation ID: 426142). Experimental studies and prediction algorithms are not available or were not evaluated, and the functional significance of this variant is currently unknown. In summary, the available evidence is currently insufficient to determine the role of this variant in disease. Therefore, it has been classified as a Variant of Uncertain Significance.

NM_001042545.2(LTBP4):c.4024G>A (p.Ala1342Thr)

Gene: LTBP4 (latent transforming growth factor beta binding protein 4; plus strand). Cytogenetic location: 19q13.2.
Variant type: single nucleotide variant.
Coding change: c.4024G>A on transcript NM_001042545.2 (MANE Select); coding-DNA position 4024, G replaced by A.
Protein change: p.Ala1342Thr; replaces alanine 1342 with threonine.
Molecular consequence: missense variant.
Genome position (GRCh38, 1-based): chr19:40,627,013, G>A. VCF-style: chr19-40627013-G-A. GRCh37 (hg19) VCF-style: chr19-41132918-G-A.
Other names: c.4225G>A, p.Ala1409Thr (NM_001042544.1); c.4114G>A, p.Ala1372Thr (NM_003573.2); short protein forms A1342T, A1372T, A1409T.
Identifiers: ClinVar variation 426142 (VCV000426142.8), dbSNP rs370362292, ClinGen allele CA9449218.